The following is an entry in ClinVar:

NC_000020.10:g.(?_13765662)_(13775597_?)del

Gene: NDUFAF5 (NADH:ubiquinone oxidoreductase complex assembly factor 5; plus strand). Cytogenetic location: 20p12.1.
Variant type: Deletion.
Identifiers: ClinVar variation 2426807 (VCV002426807.4).

ClinVar aggregate classification (germline): Pathogenic (1 of 4 stars; one submission).

Submission:

Labcorp Genetics (formerly Invitae), Labcorp
Classification: Pathogenic. Last evaluated: 2022-06-11. Review status: criteria provided, single submitter. Criteria: Invitae Variant Classification Sherloc (09022015). Collection method: clinical testing. Allele origin: germline.
Comment: For these reasons, this variant has been classified as Pathogenic. This variant has not been reported in the literature in individuals affected with NDUFAF5-related conditions. This variant is a gross deletion of the genomic region encompassing exon(s) 1-5 of the NDUFAF5 gene, which includes the initiator codon. This deletion extends beyond the assayed region for this gene and therefore may encompass additional genes. It is expected to result in an absent or disrupted protein product. Loss-of-function variants in NDUFAF5 are known to be pathogenic (PMID: 26275793, 30473481, 32918965).

Literature cited by the submitters: PubMed 26275793; PubMed 30473481; PubMed 32918965.